The following is an entry in ClinVar:

ClinVar aggregate classification (germline): Benign. Review status: criteria provided, multiple submitters, no conflicts (2 of 4 stars). 2 submissions from 2 submitters: Benign (2). Last evaluated 2020-02-18.

Allele frequency attached by ClinVar (database versions not stated): ExAC 0.54527; gnomAD exomes 0.54646 and 0.55179; 1000 Genomes Project 0.54852; 1000 Genomes Project 30x 0.55309; gnomAD 0.58716 and 0.59676; ESP Exome Variant Server 0.59781; TOPMed 0.60096.
gnomAD v4.1: 894,122 of 1,611,728 alleles (55%); highest among the groups gnomAD compares: African/African-American, 67%; 251,445 homozygotes.

Submissions (2):

GeneDx
Classification: Benign. Last evaluated: 2020-02-18. Review status: criteria provided, single submitter. Criteria: GeneDx Variant Classification Process June 2021. Collection method: clinical testing. Allele origin: germline. Affected: yes.
Comment: This variant is associated with the following publications: (PMID: 31178129)

Breakthrough Genomics
Classification: Benign. Review status: criteria provided, single submitter. Criteria: ACMG Guidelines, 2015. Collection method: not provided. Allele origin: germline. Inheritance: Unknown mechanism. Affected: yes.

NM_015136.3(STAB1):c.7517T>C (p.Met2506Thr)

Gene: STAB1 (stabilin 1; plus strand). Cytogenetic location: 3p21.1.
Variant type: single nucleotide variant.
Coding change: c.7517T>C on transcript NM_015136.3 (MANE Select); coding-DNA position 7517, T replaced by C.
Protein change: p.Met2506Thr; replaces methionine 2506 with threonine.
Molecular consequence: missense variant.
Genome position (GRCh38, 1-based): chr3:52,523,992, T>C. VCF-style: chr3-52523992-T-C. GRCh37 (hg19) VCF-style: chr3-52558008-T-C.
Other names: short protein forms M2506T.
Identifiers: ClinVar variation 1243124 (VCV001243124.3), dbSNP rs13303, ClinGen allele CA2443007.